The following is an entry in ClinVar:

NM_001369.3(DNAH5):c.10658G>A (p.Arg3553Gln)

Gene: DNAH5 (dynein axonemal heavy chain 5; minus strand). Cytogenetic location: 5p15.2.
Variant type: single nucleotide variant.
Coding change: c.10658G>A on transcript NM_001369.3 (MANE Select); coding-DNA position 10658, G replaced by A.
Protein change: p.Arg3553Gln; replaces arginine 3553 with glutamine.
Molecular consequence: missense variant.
Genome position (GRCh38, 1-based): chr5:13,753,447, C>T on the plus strand (G>A on the coding strand, the complement: DNAH5 is on the minus strand). VCF-style: chr5-13753447-C-T. GRCh37 (hg19) VCF-style: chr5-13753556-C-T.
Other names: short protein forms R3553Q.
Identifiers: ClinVar variation 844595 (VCV000844595.27), dbSNP rs144393366, ClinGen allele CA3202158.

ClinVar aggregate classification (germline): Conflicting classifications of pathogenicity. Review status: criteria provided, conflicting classifications (1 of 4 stars). 7 submissions from 7 submitters: Uncertain significance (5); Likely benign (1). 1 of the submissions does not count toward it. Last evaluated 2026-01-09.

Conditions:
Primary ciliary dyskinesia. Also called: Ciliary dyskinesia. Identifiers: Orphanet 244, MedGen C0008780, MONDO:0016575, HP:0012265.
Primary ciliary dyskinesia 3. Identifiers: Orphanet 244, MedGen C1837618, MONDO:0012085, OMIM 608644.

Allele frequency attached by ClinVar (database versions not stated): ExAC 0.00005; gnomAD exomes 0.00007 and 0.00015; TOPMed 0.00008; gnomAD 0.00009; ESP Exome Variant Server 0.00015.
gnomAD v4.1: 231 of 1,613,846 alleles (0.014%); highest among the groups gnomAD compares: Middle Eastern, 0.049%; no homozygotes.

Submissions (7):

Labcorp Genetics (formerly Invitae), Labcorp
Classification: Likely benign for Primary ciliary dyskinesia. Last evaluated: 2026-01-09. Review status: criteria provided, single submitter. Criteria: Invitae Variant Classification Sherloc (09022015). Collection method: clinical testing. Allele origin: germline.

Ambry Genetics
Classification: Uncertain significance for Primary ciliary dyskinesia. Last evaluated: 2025-12-09. Review status: criteria provided, single submitter. Criteria: Ambry Variant Classification Scheme 2023. Collection method: clinical testing. Allele origin: germline.
Comment: The p.R3553Q variant (also known as c.10658G>A), located in coding exon 63 of the DNAH5 gene, results from a G to A substitution at nucleotide position 10658. The arginine at codon 3553 is replaced by glutamine, an amino acid with highly similar properties. This amino acid position is highly conserved in available vertebrate species. In addition, the in silico prediction for this alteration is inconclusive. Based on the available evidence, the clinical significance of this variant remains unclear.

GeneDx
Classification: Uncertain significance. Last evaluated: 2025-04-01. Review status: criteria provided, single submitter. Criteria: GeneDx Variant Classification Process June 2021. Collection method: clinical testing. Allele origin: germline. Affected: yes.
Comment: In silico analysis supports that this missense variant has a deleterious effect on protein structure/function; This variant is associated with the following publications: (PMID: 36920900)

Blueprint Genetics
Classification: Uncertain significance. Last evaluated: 2024-07-11. Review status: criteria provided, single submitter. Criteria: ACMG Guidelines, 2015. Collection method: clinical testing. Allele origin: germline.

CeGaT Center for Human Genetics Tuebingen
Classification: Uncertain significance. Last evaluated: 2024-07-01. Review status: criteria provided, single submitter. Criteria: CeGaT Center For Human Genetics Tuebingen Variant Classification Criteria Version 2. Collection method: clinical testing. Allele origin: germline. Affected: yes. Observed: 1 variant allele.
Comment: DNAH5: PM2, BP4

Fulgent Genetics
Classification: Uncertain significance for Primary ciliary dyskinesia 3. Last evaluated: 2021-11-29. Review status: criteria provided, single submitter. Criteria: ACMG Guidelines, 2015. Collection method: clinical testing. Allele origin: unknown.

Natera, Inc.
Classification: Uncertain significance for Primary ciliary dyskinesia. Last evaluated: 2020-09-16. Review status: no assertion criteria provided. Collection method: clinical testing. Allele origin: germline. Not counted in ClinVar's aggregate classification.